The following is an entry in ClinVar:

NM_024675.4(PALB2):c.2108T>C (p.Leu703Ser)

Gene: PALB2 (partner and localizer of BRCA2; minus strand). Cytogenetic location: 16p12.2.
Variant type: single nucleotide variant.
Coding change: c.2108T>C on transcript NM_024675.4 (MANE Select); coding-DNA position 2108, T replaced by C.
Protein change: p.Leu703Ser; replaces leucine 703 with serine.
Molecular consequence: missense variant.
Genome position (GRCh38, 1-based): chr16:23,630,046, A>G on the plus strand (T>C on the coding strand, the complement: PALB2 is on the minus strand). VCF-style: chr16-23630046-A-G. GRCh37 (hg19) VCF-style: chr16-23641367-A-G.
Other names: c.2048T>C, p.Leu683Ser (NM_001407296.1); c.2108T>C, p.Leu703Ser (NM_001407297.1, NM_001407298.1, NM_001407299.1 and 3 more transcripts); c.1223T>C, p.Leu408Ser (NM_001407304.1, NM_001407305.1, NM_001407306.1 and 5 more transcripts); c.320T>C, p.Leu107Ser (NM_001407312.1, NM_001407313.1); short protein forms L107S, L408S, L683S, L703S.
Identifiers: ClinVar variation 2103761 (VCV002103761.7), dbSNP rs752592662, ClinGen allele CA395125781.
Genomic context (GRCh38, chr16:23,630,046, plus strand): 5'-ATGTCTGTGGTAGGCCTGTCATTATCATCAGGCGCAACCGTATTTAAAGGAGTATAAAGT[A>G]ATATGGATGAAGAAAGGCCCGTCTTTGTATGCTGGCTTTGCGAGTTTGGCCTTTTGGGAT-3'
Protein context (NP_078951.2, residues 693-713): HTKTGLSSSI[Leu703Ser]LYTPLNTVAP

ClinVar aggregate classification (germline): Uncertain significance. Review status: criteria provided, multiple submitters, no conflicts (2 of 4 stars). 2 submissions from 2 submitters: Uncertain significance (2). Last evaluated 2025-08-20.

Conditions:
Hereditary cancer-predisposing syndrome. Also called: Hereditary Cancer Syndrome; Tumor predisposition; Neoplastic Syndromes, Hereditary; Hereditary neoplastic syndrome. Identifiers: Orphanet 140162, MedGen C0027672, MeSH D009386, MONDO:0015356.
Familial cancer of breast. Also called: Hereditary breast cancer; hereditary breast carcinoma; BREAST CANCER, FAMILIAL. Identifiers: Orphanet 227535, MedGen C0346153, MONDO:0016419, OMIM 114480. Disease mechanism: loss of function.

Submissions (2):

Ambry Genetics
Classification: Uncertain significance for Hereditary cancer-predisposing syndrome. Last evaluated: 2025-08-20. Review status: criteria provided, single submitter. Criteria: Ambry Variant Classification Scheme 2023. Collection method: clinical testing. Allele origin: germline.
Comment: The p.L703S variant (also known as c.2108T>C), located in coding exon 5 of the PALB2 gene, results from a T to C substitution at nucleotide position 2108. The leucine at codon 703 is replaced by serine, an amino acid with dissimilar properties. This amino acid position is conserved. In addition, the in silico prediction for this alteration is inconclusive. Since supporting evidence is limited at this time, the clinical significance of this alteration remains unclear.

Labcorp Genetics (formerly Invitae), Labcorp
Classification: Uncertain significance for Familial cancer of breast. Last evaluated: 2025-07-14. Review status: criteria provided, single submitter. Criteria: Invitae Variant Classification Sherloc (09022015). Collection method: clinical testing. Allele origin: germline.
Comment: This sequence change replaces leucine, which is neutral and non-polar, with serine, which is neutral and polar, at codon 703 of the PALB2 protein (p.Leu703Ser). This variant is not present in population databases (gnomAD no frequency). This variant has not been reported in the literature in individuals affected with PALB2-related conditions. ClinVar contains an entry for this variant (Variation ID: 2103761). Invitae Evidence Modeling of protein sequence and biophysical properties (such as structural, functional, and spatial information, amino acid conservation, physicochemical variation, residue mobility, and thermodynamic stability) indicates that this missense variant is not expected to disrupt PALB2 protein function with a negative predictive value of 80%. In summary, the available evidence is currently insufficient to determine the role of this variant in disease. Therefore, it has been classified as a Variant of Uncertain Significance.